The following is an entry in ClinVar:

ClinVar aggregate classification (germline): Uncertain significance (1 of 4 stars; one submission).

Conditions:
ENG-related disorder. Also called: ENG-related condition; ENG-related disorders.

Submission:

PreventionGenetics, part of Exact Sciences
Classification: Uncertain significance for ENG-related condition. Last evaluated: 2025-11-21. Review status: criteria provided, single submitter. Criteria: ACMG Guidelines, 2015. Collection method: clinical testing. Allele origin: germline.
Comment: The ENG c.1763T>A variant is predicted to result in the amino acid substitution p.Val588Asp. To our knowledge, this variant has not been reported in the literature or in a large population database (gnomAD), indicating this variant is rare. De novo variants in ENG gene are rare; however, there are at least two cases of individuals with hereditary hemorrhagic telangiectasia as a result of de novo variants in this gene (Gedge et al. 2007. PubMed ID: 17384219). Although we suspect that this variant may be pathogenic, at this time, the clinical significance of this variant is uncertain due to the absence of conclusive functional and genetic evidence.

NM_001114753.3(ENG):c.1763T>A (p.Val588Asp)

Gene: ENG (endoglin; minus strand). Cytogenetic location: 9q34.11.
Variant type: single nucleotide variant.
Coding change: c.1763T>A on transcript NM_001114753.3 (MANE Select); coding-DNA position 1763, T replaced by A.
Protein change: p.Val588Asp; replaces valine 588 with aspartic acid.
Molecular consequence: missense variant.
Genome position (GRCh38, 1-based): chr9:127,816,032, A>T on the plus strand (T>A on the coding strand, the complement: ENG is on the minus strand). VCF-style: chr9-127816032-A-T. GRCh37 (hg19) VCF-style: chr9-130578311-A-T.
Other names: c.1763T>A, p.Val588Asp (NM_000118.4); c.1217T>A, p.Val406Asp (NM_001278138.2); short protein forms V406D, V588D.
Identifiers: ClinVar variation 4995639 (VCV004995639.1).